The following is an entry in ClinVar:

ClinVar aggregate classification (germline): Uncertain significance (1 of 4 stars; one submission).

Conditions:
Hereditary cancer-predisposing syndrome. Also called: Tumor predisposition; Hereditary Cancer Syndrome; Neoplastic Syndromes, Hereditary; Hereditary neoplastic syndrome. Identifiers: Orphanet 140162, MedGen C0027672, MeSH D009386, MONDO:0015356.

Submission:

Ambry Genetics
Classification: Uncertain significance for Hereditary cancer-predisposing syndrome. Last evaluated: 2022-06-03. Review status: criteria provided, single submitter. Criteria: Ambry Variant Classification Scheme 2023. Collection method: clinical testing. Allele origin: germline.
Comment: The p.Q90K variant (also known as c.268C>A), located in coding exon 3 of the TSC2 gene, results from a C to A substitution at nucleotide position 268. The glutamine at codon 90 is replaced by lysine, an amino acid with similar properties. This amino acid position is conserved. In addition, the in silico prediction for this alteration is inconclusive. Since supporting evidence is limited at this time, the clinical significance of this alteration remains unclear.

NM_000548.5(TSC2):c.268C>A (p.Gln90Lys)

Gene: TSC2 (TSC complex subunit 2; plus strand). Cytogenetic location: 16p13.3.
Variant type: single nucleotide variant.
Coding change: c.268C>A on transcript NM_000548.5 (MANE Select); coding-DNA position 268, C replaced by A.
Protein change: p.Gln90Lys; replaces glutamine 90 with lysine.
Molecular consequence: missense variant. On other transcripts: intron variant (2).
Genome position (GRCh38, 1-based): chr16:2,053,384, C>A. VCF-style: chr16-2053384-C-A. GRCh37 (hg19) VCF-style: chr16-2103385-C-A.
Other names: c.268C>A, p.Gln90Lys (NM_001077183.3, NM_001114382.3, NM_001363528.2 and 10 more transcripts); c.121C>A, p.Gln41Lys (NM_001318829.2, NM_001406675.1, NM_001406676.1 and 2 more transcripts); c.301C>A, p.Gln101Lys (NM_001318832.2); c.-549C>A (NM_001406680.1, NM_001406683.1, NM_001406687.1); c.-178C>A (NM_001406681.1); c.-1164C>A (NM_001406689.1, NM_001406690.1, NM_001406691.1 and 2 more transcripts); c.-1470C>A (NM_001406693.1); c.-1045C>A (NM_001406694.1, NM_001406695.1); and 4 more; short protein forms Q101K, Q90K, Q41K.
Identifiers: ClinVar variation 1794775 (VCV001794775.2), dbSNP rs45517099, ClinGen allele CA394305629.